The following is an entry in ClinVar:

NM_000384.3(APOB):c.13449G>A (p.Ala4483=)

Gene: APOB (apolipoprotein B; minus strand). Cytogenetic location: 2p24.1.
Variant type: single nucleotide variant.
Coding change: c.13449G>A on transcript NM_000384.3 (MANE Select); coding-DNA position 13449, G replaced by A.
Protein change: p.Ala4483=; no amino-acid change (alanine 4483 retained).
Molecular consequence: synonymous variant.
Genome position (GRCh38, 1-based): chr2:21,001,973, C>T on the plus strand (G>A on the coding strand, the complement: APOB is on the minus strand). VCF-style: chr2-21001973-C-T. GRCh37 (hg19) VCF-style: chr2-21224845-C-T.
Identifiers: ClinVar variation 544108 (VCV000544108.22), dbSNP rs138421941, ClinGen allele CA052806.

ClinVar aggregate classification (germline): Benign/Likely benign. Review status: criteria provided, multiple submitters, no conflicts (2 of 4 stars). 5 submissions from 5 submitters: Benign (2); Likely benign (2). 1 of the submissions does not count toward it. Last evaluated 2026-01-07.

Conditions:
Cardiovascular phenotype. Identifiers: MedGen CN230736.
APOB-related disorder. Also called: APOB-related condition; APOB-related disorders.
Familial hypobetalipoproteinemia 1. Also called: Hypobetalipoproteinemia, normotriglyceridemic; Acanthocytosis with hypobetalipoproteinemia; APOB-Related Familial Hypobetalipoproteinemia. Identifiers: MedGen C4551990, MONDO:0014252, OMIM 615558.
Hypercholesterolemia, autosomal dominant, type B (FHCL2). Also called: Familial hypercholesterolemia 2; APOB-Related Familial Hypercholesterolemia, Autosomal Dominant; HYPERCHOLESTEROLEMIA, FAMILIAL, DUE TO LIGAND-DEFECTIVE APOLIPOPROTEIN B; Hyperlipoproteinemia Type IIb; Familial Hypercholesterolemia Type B; APOLIPOPROTEIN B-100, FAMILIAL DEFECTIVE. Identifiers: MedGen C1704417, MONDO:0007751, OMIM 144010.
Familial hypercholesterolemia. Also called: Familial hypercholesterolemias; Familial hypercholesterolaemia. Identifiers: MedGen C0020445, MONDO:0005439.

Allele frequency attached by ClinVar (database versions not stated): TOPMed 0.00103; 1000 Genomes Project 0.00140; 1000 Genomes Project 30x 0.00141; gnomAD exomes 0.00008 and 0.00027; ExAC 0.00031; ESP Exome Variant Server 0.00069; gnomAD 0.00087 and 0.00092.
gnomAD v4.1: 247 of 1,613,954 alleles (0.015%); highest among the groups gnomAD compares: African/African-American, 0.27%; no homozygotes.

Submissions (5):

Labcorp Genetics (formerly Invitae), Labcorp
Classification: Benign for Familial hypobetalipoproteinemia 1; Hypercholesterolemia, autosomal dominant, type B. Last evaluated: 2026-01-07. Review status: criteria provided, single submitter. Criteria: Invitae Variant Classification Sherloc (09022015). Collection method: clinical testing. Allele origin: germline.

Molecular Diagnostic Laboratory for Inherited Cardiovascular Disease, Montreal Heart Institute
Classification: Benign. Last evaluated: 2025-04-09. Review status: criteria provided, single submitter. Criteria: ACMG Guidelines, 2015. Collection method: clinical testing. Allele origin: germline. Affected: no.
Comment: BS1:BP6;BP7

GENinCode PLC
Classification: Likely benign for Familial hypercholesterolemia. Last evaluated: 2025-01-09. Review status: criteria provided, single submitter. Criteria: ACMG Guidelines, 2015. Collection method: clinical testing. Allele origin: germline.
Comment: This is a synonymous (silent) variant that is not predicted to impact splicing and occurs at a nucleotide which is not highly conserved. In addition, it has a PopMax FAF which is greater than expected for this disorder. This variant has been classified as Likely Benign (BS1, BP4, BP7).

Ambry Genetics
Classification: Likely benign for Cardiovascular phenotype. Last evaluated: 2016-12-02. Review status: criteria provided, single submitter. Criteria: Ambry Variant Classification Scheme 2023. Collection method: clinical testing. Allele origin: germline.

PreventionGenetics, part of Exact Sciences
Classification: Likely benign for APOB-related condition. Last evaluated: 2020-02-19. Review status: no assertion criteria provided. Collection method: clinical testing. Allele origin: germline. Not counted in ClinVar's aggregate classification.
Comment: This variant is classified as likely benign based on ACMG/AMP sequence variant interpretation guidelines (Richards et al. 2015 PMID: 25741868, with internal and published modifications).